The following is an entry in ClinVar:

NM_001379081.2(FREM1):c.6255-4T>G

Gene: FREM1 (FRAS1 related extracellular matrix 1; minus strand). Cytogenetic location: 9p22.3.
Variant type: single nucleotide variant.
Coding change: c.6255-4T>G on transcript NM_001379081.2 (MANE Select); 4 bases into the intron before coding-DNA position 6255, T replaced by G.
Molecular consequence: intron variant.
Genome position (GRCh38, 1-based): chr9:14,740,238, A>C on the plus strand (T>G on the coding strand, the complement: FREM1 is on the minus strand). VCF-style: chr9-14740238-A-C. GRCh37 (hg19) VCF-style: chr9-14740236-A-C.
Other names: p.?; c.6255-4T>G (NM_144966.7); c.1863-4T>G (NM_001370061.2, NM_001177704.3); c.1597-4T>G (NM_001370058.2).
Identifiers: ClinVar variation 366102 (VCV000366102.18), dbSNP rs75897613, ClinGen allele CA4989467.

ClinVar aggregate classification (germline): Benign. Review status: criteria provided, multiple submitters, no conflicts (2 of 4 stars). 4 submissions from 4 submitters: Benign (4). Last evaluated 2026-01-27.

Conditions:
Oculotrichoanal syndrome (MOTA). Also called: Manitoba Oculotrichoanal (MOTA) Syndrome; MARLES SYNDROME. Identifiers: Orphanet 2717, MedGen C1855425, MONDO:0009560, OMIM 248450.

Allele frequency attached by ClinVar (database versions not stated): gnomAD exomes 0.00156 and 0.00405; ExAC 0.00496; 1000 Genomes Project 0.01438; 1000 Genomes Project 30x 0.01577; ESP Exome Variant Server 0.01688; gnomAD 0.01732 and 0.01885; TOPMed 0.01926.
gnomAD v4.1: 4,967 of 1,606,086 alleles (0.31%); highest among the groups gnomAD compares: African/African-American, 6%; 151 homozygotes.

Submissions (13):

Labcorp Genetics (formerly Invitae), Labcorp
Classification: Benign. Last evaluated: 2026-01-27. Review status: criteria provided, single submitter. Criteria: Invitae Variant Classification Sherloc (09022015). Collection method: clinical testing. Allele origin: germline.

Mayo Clinic Laboratories, Mayo Clinic
Classification: Benign. Last evaluated: 2023-04-03. Review status: criteria provided, single submitter. Criteria: ACMG Guidelines, 2015. Collection method: clinical testing. Allele origin: germline. Observed: 2 variant alleles.

GeneDx
Classification: Benign. Last evaluated: 2021-05-06. Review status: criteria provided, single submitter. Criteria: GeneDx Variant Classification Process June 2021. Collection method: clinical testing. Allele origin: germline. Affected: yes.

Illumina Laboratory Services, Illumina
Classification: Benign for Oculotrichoanal syndrome. Last evaluated: 2018-01-12. Review status: criteria provided, single submitter. Criteria: ICSL Variant Classification Criteria 13 December 2019. Collection method: clinical testing. Allele origin: germline.
Comment: This variant was observed in the ICSL laboratory as part of a predisposition screen in an ostensibly healthy population. It had not been previously curated by ICSL or reported in the Human Gene Mutation Database (HGMD: prior to June 1st, 2018), and was therefore a candidate for classification through an automated scoring system. Utilizing variant allele frequency, disease prevalence and penetrance estimates, and inheritance mode, an automated score was calculated to assess if this variant is too frequent to cause the disease. Based on the score and internal cut-off values, a variant classified as benign is not then subjected to further curation. The score for this variant resulted in a classification of benign for this disease.

Dr. Peter K. Rogan Lab, Western University
No classification provided (evidence only). Condition: Clear cell carcinoma of kidney. Review status: no classification provided. Collection method: in vitro. Allele origin: not applicable. Functional consequence: retained intron. Not counted in ClinVar's aggregate classification.

Dr. Peter K. Rogan Lab, Western University
No classification provided (evidence only). Condition: Lung cancer. Review status: no classification provided. Collection method: in vitro. Allele origin: not applicable. Functional consequence: skipped exon. Not counted in ClinVar's aggregate classification.

Dr. Peter K. Rogan Lab, Western University
No classification provided (evidence only). Condition: Lung cancer. Review status: no classification provided. Collection method: in vitro. Allele origin: not applicable. Functional consequence: retained intron. Not counted in ClinVar's aggregate classification.

Dr. Peter K. Rogan Lab, Western University
No classification provided (evidence only). Condition: Acute myeloid leukemia. Review status: no classification provided. Collection method: in vitro. Allele origin: not applicable. Functional consequence: retained intron. Not counted in ClinVar's aggregate classification.

Dr. Peter K. Rogan Lab, Western University
No classification provided (evidence only). Condition: Uterine corpus endometrial carcinoma. Review status: no classification provided. Collection method: in vitro. Allele origin: not applicable. Functional consequence: skipped exon, retained intron. Not counted in ClinVar's aggregate classification.

Dr. Peter K. Rogan Lab, Western University
No classification provided (evidence only). Condition: Uterine corpus endometrial carcinoma. Review status: no classification provided. Collection method: in vitro. Allele origin: not applicable. Functional consequence: retained intron. Not counted in ClinVar's aggregate classification.

Dr. Peter K. Rogan Lab, Western University
No classification provided (evidence only). Condition: Sarcoma. Review status: no classification provided. Collection method: in vitro. Allele origin: not applicable. Functional consequence: retained intron. Not counted in ClinVar's aggregate classification.

Dr. Peter K. Rogan Lab, Western University
No classification provided (evidence only). Condition: Nonpapillary renal cell carcinoma. Review status: no classification provided. Collection method: in vitro. Allele origin: not applicable. Functional consequence: skipped exon. Not counted in ClinVar's aggregate classification.

Dr. Peter K. Rogan Lab, Western University
No classification provided (evidence only). Condition: Ovarian serous cystadenocarcinoma. Review status: no classification provided. Collection method: in vitro. Allele origin: not applicable. Functional consequence: retained intron. Not counted in ClinVar's aggregate classification.